The following is an entry in ClinVar:

NM_003978.5(PSTPIP1):c.853C>A (p.Gln285Lys)

Gene: PSTPIP1 (proline-serine-threonine phosphatase interacting protein 1; plus strand). Cytogenetic location: 15q24.3.
Variant type: single nucleotide variant.
Coding change: c.853C>A on transcript NM_003978.5 (MANE Select); coding-DNA position 853, C replaced by A.
Protein change: p.Gln285Lys; replaces glutamine 285 with lysine.
Molecular consequence: missense variant. On other transcripts: intron variant (1).
Genome position (GRCh38, 1-based): chr15:77,032,876, C>A. VCF-style: chr15-77032876-C-A. GRCh37 (hg19) VCF-style: chr15-77325217-C-A.
Other names: c.826C>A, p.Gln276Lys (NM_001321136.2); c.1048C>A, p.Gln350Lys (NM_001321137.1); c.853C>A, p.Gln285Lys (NM_001411086.1); c.872+448C>A (NM_001321135.2); short protein forms Q276K, Q285K, Q350K.
Identifiers: ClinVar variation 4685751 (VCV004685751.1).
Genomic context (GRCh38, chr15:77,032,876, plus strand): 5'-TGGGGTGTTGGGGGCCGCCCTGGGGCTCACGGCTTGCTGTCTGCAGCTCCGGTGCCCTAC[C>A]AGAACTATTACGATCGGGAGGTCACCCCGCTGACCAGCAGCCCTGGCATACAGCCGTCCT-3'
Protein context (NP_003969.2, residues 275-295): GTEPPAPVPY[Gln285Lys]NYYDREVTPL

ClinVar aggregate classification (germline): Uncertain significance (1 of 4 stars; one submission).

Conditions:
Pyogenic arthritis-pyoderma gangrenosum-acne syndrome (PAPA). Also called: FAMILIAL RECURRENT ARTHRITIS; PAPA SYNDROME. Identifiers: Orphanet 69126, MedGen C1858361, MONDO:0011462, OMIM 604416.

gnomAD v4.1: 4 of 1,594,572 alleles (0.00025%); highest among the groups gnomAD compares: African/African-American, 0.0054%; no homozygotes.

Submission:

ARUP Laboratories, Molecular Genetics and Genomics, ARUP Laboratories
Classification: Uncertain significance for Pyogenic arthritis-pyoderma gangrenosum-acne syndrome. Last evaluated: 2024-12-18. Review status: criteria provided, single submitter. Criteria: ARUP Molecular Germline Variant Investigation Process 2024. Collection method: clinical testing. Allele origin: germline.
Comment: The PSTPIP1 c.853C>A; p.Gln285Lys variant (rs1218813134), to our knowledge, is not reported in the medical literature or gene specific databases. This variant is only observed on one allele in the Genome Aggregation Database (v2.1.1), indicating it is not a common polymorphism. Computational analyses predict that this variant is neutral (REVEL: 0.037). Due to limited information, the clinical significance of this variant is uncertain at this time.